The following is an entry in ClinVar:

ClinVar aggregate classification (germline): Likely benign (1 of 4 stars; one submission).

Allele frequency attached by ClinVar (database versions not stated): 1000 Genomes Project 30x 0.00062; 1000 Genomes Project 0.00080; gnomAD 0.00225; TOPMed 0.00247.
gnomAD v4.1: 341 of 152,224 alleles (0.22%); highest among the groups gnomAD compares: Non-Finnish European, 0.39%; no homozygotes.

Submission:

CeGaT Center for Human Genetics Tuebingen
Classification: Likely benign. Last evaluated: 2026-07-01. Review status: criteria provided, single submitter. Criteria: CeGaT Center For Human Genetics Tuebingen Variant Classification Criteria Version 2. Collection method: clinical testing. Allele origin: germline. Affected: yes. Observed: 26 variant alleles.
Comment: BRAF: BS1

NM_004333.6(BRAF):c.1140+3314C>T

Gene: BRAF (B-Raf proto-oncogene, serine/threonine kinase; minus strand). Cytogenetic location: 7q34.
Variant type: single nucleotide variant.
Coding change: c.1140+3314C>T on transcript NM_004333.6 (MANE Select); 3314 bases into the intron after coding-DNA position 1140, C replaced by T.
Molecular consequence: intron variant.
Genome position (GRCh38, 1-based): chr7:140,790,994, G>A on the plus strand (C>T on the coding strand, the complement: BRAF is on the minus strand). VCF-style: chr7-140790994-G-A. GRCh37 (hg19) VCF-style: chr7-140490794-G-A.
Other names: c.1140+3314C>T (NM_001378474.1, NM_001378471.1, NM_001378468.1 and 4 more transcripts); c.1038+3314C>T (NM_001378470.1); c.876+3314C>T (NM_001378475.1); c.1149+3314C>T (NM_001378467.1); c.984+3314C>T (NM_001378472.1, NM_001378473.1).
Identifiers: ClinVar variation 2499059 (VCV002499059.28), dbSNP rs191249598, ClinGen allele CA168097870.